The following is an entry in ClinVar:

NM_007118.4(TRIO):c.7048_7051del (p.Pro2350fs)

Gene: TRIO (trio Rho guanine nucleotide exchange factor; plus strand). Cytogenetic location: 5p15.2.
Variant type: Deletion.
Coding change: c.7048_7051del on transcript NM_007118.4 (MANE Select); coding-DNA positions 7048 to 7051, 4 bases deleted (CCCG; older notation c.7048_7051delCCCG).
Protein change: p.Pro2350fs; shifts the reading frame from proline 2350.
Molecular consequence: frameshift variant. On other transcripts: non-coding transcript variant (1).
Genome position (GRCh38, 1-based): chr5:14,487,676-14,487,679, CCCG deleted. VCF-style (leftmost placement, unchanged base first): chr5-14487675-CCCCG-C. GRCh37 (hg19) VCF-style: chr5-14487784-CCCCG-C.
Other names: short protein forms P2350fs.
Identifiers: ClinVar variation 3236236 (VCV003236236.1), dbSNP rs2477467353, ClinGen allele CA2825001412.

ClinVar aggregate classification (germline): Pathogenic (1 of 4 stars; one submission).

Conditions:
Intellectual developmental disorder, autosomal dominant 44, with microcephaly. Also called: Micrognathia-recurrent infections-behavioral abnormalities-mild intellectual disability syndrome; TRIO-Related Intellectual Disability. Identifiers: Orphanet 476126, MedGen C4310740, MONDO:0014892, OMIM 617061.

Submission:

MVZ Medizinische Genetik Mainz
Classification: Pathogenic for Intellectual developmental disorder, autosomal dominant 44, with microcephaly. Last evaluated: 2023-08-15. Review status: criteria provided, single submitter. Criteria: UK Practice Guidelines For Variant Classification V4 01 2020. Collection method: clinical testing. Allele origin: germline. Inheritance: Autosomal dominant inheritance. Affected: yes. Observed: 1 variant allele.
Comment: ACMG Criteria: PVS1,PM2_SUP